The following is an entry in ClinVar:

NM_000540.3(RYR1):c.8232-12T>G

Gene: RYR1 (ryanodine receptor 1; plus strand). Cytogenetic location: 19q13.2.
Variant type: single nucleotide variant.
Coding change: c.8232-12T>G on transcript NM_000540.3 (MANE Select); 12 bases into the intron before coding-DNA position 8232, T replaced by G.
Molecular consequence: intron variant.
Genome position (GRCh38, 1-based): chr19:38,504,991, T>G. VCF-style: chr19-38504991-T-G. GRCh37 (hg19) VCF-style: chr19-38995631-T-G.
Other names: c.8232-12T>G (NM_001042723.2).
Identifiers: ClinVar variation 3071359 (VCV003071359.1), dbSNP rs2514355872, ClinGen allele CA2584901571.
Genomic context (GRCh38, chr19:38,504,991, plus strand): 5'-AGACAGAGAGGAAGATTTCAGGGGTGGAGGGAACCCCAGCTCCAACATCTGCTGACCCTG[T>G]GCCCCCAACAGTGTGATCATCCCGGAGAAGCTGGACTCCTTCATTAACAAGTTTGCGGAG-3'

ClinVar aggregate classification (germline): Uncertain significance (1 of 4 stars; one submission).

Conditions:
Malignant hyperthermia, susceptibility to, 1 (MHS1). Also called: Anesthesia related hyperthermia; Malignant hyperpyrexia; Fulminating hyperpyrexia; Pharmacogenic myopathy; RYR1-Related Malignant Hyperthermia Susceptibility; Malignant hyperthermia suceptibility 1. Identifiers: Orphanet 423, MedGen C2930980, MONDO:0007783, OMIM 145600.

Allele frequency attached by ClinVar (database versions not stated): gnomAD exomes below 0.00001.
gnomAD v4.1: 1 of 1,614,164 alleles (0.000062%); highest among the groups gnomAD compares: Non-Finnish European, 0.000085%; no homozygotes.

Submission:

All of Us Research Program, National Institutes of Health
Classification: Uncertain significance for Malignant hyperthermia, susceptibility to, 1. Last evaluated: 2023-05-30. Review status: criteria provided, single submitter. Criteria: ACMG Guidelines, 2015. Collection method: clinical testing. Allele origin: germline. Inheritance: Autosomal dominant inheritance. Observed: 1 variant allele, 1 heterozygote.
Comment: This variant causes a T to G nucleotide substitution at the -12 position of intron 51 of the RYR1 gene. To our knowledge, functional studies have not been reported for this variant. This variant has not been reported in individuals affected with RYR1-related disorders in the literature. This variant has not been identified in the general population by the Genome Aggregation Database (gnomAD). The available evidence is insufficient to determine the role of this variant in disease conclusively. Therefore, this variant is classified as a Variant of Uncertain Significance.

This study involves interpretation of variants in research participants for the purpose of population health screening. Participant phenotype was not available at the time of variant classification. Additional details can be found in publication PMID: 35346344, PMCID: PMC8962531